The following is an entry in ClinVar:

ClinVar aggregate classification (germline): Uncertain significance (1 of 4 stars; one submission).

Allele frequency attached by ClinVar (database versions not stated): gnomAD exomes below 0.00001; ExAC 0.00001; gnomAD 0.00002; TOPMed 0.00002.
gnomAD v4.1: 6 of 1,611,260 alleles (0.00037%); highest among the groups gnomAD compares: Non-Finnish European, 0.00051%; no homozygotes.

Submission:

Labcorp Genetics (formerly Invitae), Labcorp
Classification: Uncertain significance. Last evaluated: 2021-08-30. Review status: criteria provided, single submitter. Criteria: Invitae Variant Classification Sherloc (09022015). Collection method: clinical testing. Allele origin: germline.
Comment: This sequence change replaces valine with leucine at codon 980 of the MCM3AP protein (p.Val980Leu). The valine residue is highly conserved and there is a small physicochemical difference between valine and leucine. This variant is present in population databases (rs750061966, ExAC 0.002%). This variant has not been reported in the literature in individuals affected with MCM3AP-related conditions. Algorithms developed to predict the effect of missense changes on protein structure and function (SIFT, PolyPhen-2, Align-GVGD) all suggest that this variant is likely to be tolerated. In summary, the available evidence is currently insufficient to determine the role of this variant in disease. Therefore, it has been classified as a Variant of Uncertain Significance.

NM_003906.5(MCM3AP):c.2938G>T (p.Val980Leu)

Gene: MCM3AP (minichromosome maintenance complex component 3 associated protein; minus strand). Cytogenetic location: 21q22.3.
Variant type: single nucleotide variant.
Coding change: c.2938G>T on transcript NM_003906.5 (MANE Select); coding-DNA position 2938, G replaced by T.
Protein change: p.Val980Leu; replaces valine 980 with leucine.
Molecular consequence: missense variant.
Genome position (GRCh38, 1-based): chr21:46,266,018, C>A on the plus strand (G>T on the coding strand, the complement: MCM3AP is on the minus strand). VCF-style: chr21-46266018-C-A. GRCh37 (hg19) VCF-style: chr21-47685932-C-A.
Other names: short protein forms V980L.
Identifiers: ClinVar variation 1372514 (VCV001372514.3), dbSNP rs750061966, ClinGen allele CA10076683.
Genomic context (GRCh38, chr21:46,266,018, plus strand): 5'-CGGGCAGCTCCGCGGCCAGGCTCTCCCCGATGTACTTGTTCTGGGAGTTGAAGCTGCACA[C>A]AGGGGTATGACGAGGGACGGGGGGCAATGGCCCTCCGTTCACAATTTCCCCGACTGACAC-3'
Protein context (NP_003897.2, residues 970-990): PLPPVPRHTP[Val980Leu]CSFNSQNKYI